The following is an entry in ClinVar:

ClinVar aggregate classification (germline): Uncertain significance (1 of 4 stars; one submission).

Conditions:
Familial thoracic aortic aneurysm and aortic dissection (TAAD). Also called: Thoracic aortic aneurysms and dissections. Identifiers: Orphanet 91387, MedGen C4707243, MONDO:0019625.

Allele frequency attached by ClinVar (database versions not stated): gnomAD 0.00001; TOPMed 0.00001.
gnomAD v4.1: 8 of 1,613,282 alleles (0.0005%); highest among the groups gnomAD compares: Non-Finnish European, 0.00068%; no homozygotes.

Submission:

Ambry Genetics
Classification: Uncertain significance for Familial thoracic aortic aneurysm and aortic dissection. Last evaluated: 2022-09-26. Review status: criteria provided, single submitter. Criteria: Ambry Variant Classification Scheme 2023. Collection method: clinical testing. Allele origin: germline.
Comment: The p.A362V variant (also known as c.1085C>T), located in coding exon 10 of the PRKG1 gene, results from a C to T substitution at nucleotide position 1085. The alanine at codon 362 is replaced by valine, an amino acid with similar properties. This amino acid position is conserved. In addition, the in silico prediction for this alteration is inconclusive. Since supporting evidence is limited at this time, the clinical significance of this alteration remains unclear.

NM_006258.4(PRKG1):c.1085C>T (p.Ala362Val)

Gene: PRKG1 (protein kinase cGMP-dependent 1; plus strand). Cytogenetic location: 10q21.1.
Variant type: single nucleotide variant.
Coding change: c.1085C>T on transcript NM_006258.4 (MANE Select); coding-DNA position 1085, C replaced by T.
Protein change: p.Ala362Val; replaces alanine 362 with valine.
Molecular consequence: missense variant. On other transcripts: 5 prime UTR variant (1).
Genome position (GRCh38, 1-based): chr10:52,251,578, C>T. VCF-style: chr10-52251578-C-T. GRCh37 (hg19) VCF-style: chr10-54011338-C-T.
Other names: c.1040C>T, p.Ala347Val (NM_001098512.3); c.-125C>T (NM_001374781.1); short protein forms A362V, A347V.
Identifiers: ClinVar variation 1787459 (VCV001787459.2), dbSNP rs768826890, ClinGen allele CA5503756.